The following is an entry in ClinVar:

ClinVar aggregate classification (germline): Uncertain significance (1 of 4 stars; one submission).

gnomAD v4.1: 2 of 1,595,380 alleles (0.00013%); highest among the groups gnomAD compares: Non-Finnish European, 0.000085%; no homozygotes.

Submission:

Labcorp Genetics (formerly Invitae), Labcorp
Classification: Uncertain significance. Last evaluated: 2024-12-06. Review status: criteria provided, single submitter. Criteria: Invitae Variant Classification Sherloc (09022015). Collection method: clinical testing. Allele origin: germline.
Comment: This sequence change replaces serine, which is neutral and polar, with arginine, which is basic and polar, at codon 194 of the PSMG2 protein (p.Ser194Arg). This variant is not present in population databases (gnomAD no frequency). This variant has not been reported in the literature in individuals affected with PSMG2-related conditions. ClinVar contains an entry for this variant (Variation ID: 2005228). An algorithm developed to predict the effect of missense changes on protein structure and function (PolyPhen-2) suggests that this variant is likely to be tolerated. In summary, the available evidence is currently insufficient to determine the role of this variant in disease. Therefore, it has been classified as a Variant of Uncertain Significance.

NM_020232.5(PSMG2):c.582C>G (p.Ser194Arg)

Gene: PSMG2 (proteasome assembly chaperone 2; plus strand). Cytogenetic location: 18p11.21.
Variant type: single nucleotide variant.
Coding change: c.582C>G on transcript NM_020232.5 (MANE Select); coding-DNA position 582, C replaced by G.
Protein change: p.Ser194Arg; replaces serine 194 with arginine.
Molecular consequence: missense variant.
Genome position (GRCh38, 1-based): chr18:12,724,499, C>G. VCF-style: chr18-12724499-C-G. GRCh37 (hg19) VCF-style: chr18-12724498-C-G.
Other names: c.489C>G, p.Ser163Arg (NM_147163.2); short protein forms S194R, S163R.
Identifiers: ClinVar variation 2005228 (VCV002005228.4), dbSNP rs1252634723, ClinGen allele CA401970259.